The following is an entry in ClinVar:

NM_001386135.1(AFF3):c.2667C>G (p.His889Gln)

Gene: AFF3 (ALF transcription elongation factor 3; minus strand). Cytogenetic location: 2q11.2.
Variant type: single nucleotide variant.
Coding change: c.2667C>G on transcript NM_001386135.1 (MANE Select); coding-DNA position 2667, C replaced by G.
Protein change: p.His889Gln; replaces histidine 889 with glutamine.
Molecular consequence: missense variant.
Genome position (GRCh38, 1-based): chr2:99,582,924, G>C on the plus strand (C>G on the coding strand, the complement: AFF3 is on the minus strand). VCF-style: chr2-99582924-G-C. GRCh37 (hg19) VCF-style: chr2-100199386-G-C.
Other names: c.2742C>G, p.His914Gln (NM_001025108.2); c.2667C>G, p.His889Gln (NM_002285.3); short protein forms H889Q, H914Q.
Identifiers: ClinVar variation 2630555 (VCV002630555.1), dbSNP rs117712488, ClinGen allele CA347885763.

ClinVar aggregate classification (germline): Uncertain significance (1 of 4 stars; one submission).

Conditions:
AFF3-related disorder. Also called: AFF3-related condition.

gnomAD v4.1: 1 of 1,614,112 alleles (0.000062%); highest among the groups gnomAD compares: Admixed American, 0.0017%; no homozygotes.

Submission:

PreventionGenetics, part of Exact Sciences
Classification: Uncertain significance for AFF3-related condition. Last evaluated: 2023-03-07. Review status: criteria provided, single submitter. Criteria: ACMG Guidelines, 2015. Collection method: clinical testing. Allele origin: germline.
Comment: The AFF3 c.2667C>G variant is predicted to result in the amino acid substitution p.His889Gln. To our knowledge, this variant has not been reported in the literature or in a large population database, indicating this variant is rare. At this time, the clinical significance of this variant is uncertain due to the absence of conclusive functional and genetic evidence.